The following is an entry in ClinVar:

ClinVar aggregate classification (germline): Pathogenic (1 of 4 stars; one submission).

Conditions:
Myopathy, proximal, and ophthalmoplegia (CMYO6). Also called: CONGENITAL MYOPATHY 6 WITH OPHTHALMOPLEGIA; MYOPATHY WITH CONGENITAL JOINT CONTRACTURES, OPHTHALMOPLEGIA, AND RIMMED VACUOLES; INCLUSION BODY MYOPATHY 3, AUTOSOMAL DOMINANT. Identifiers: Orphanet 363677, Orphanet 79091, MedGen C1854106, MONDO:0011577, OMIM 605637.

Allele frequency attached by ClinVar (database versions not stated): gnomAD exomes below 0.00001.

Submission:

Labcorp Genetics (formerly Invitae), Labcorp
Classification: Pathogenic for Myopathy, proximal, and ophthalmoplegia. Last evaluated: 2023-08-11. Review status: criteria provided, single submitter. Criteria: Invitae Variant Classification Sherloc (09022015). Collection method: clinical testing. Allele origin: germline.
Comment: This sequence change creates a premature translational stop signal (p.Met1435Aspfs*3) in the MYH2 gene. It is expected to result in an absent or disrupted protein product. Loss-of-function variants in MYH2 are known to be pathogenic (PMID: 20418530, 23388406, 24193343). This variant is not present in population databases (gnomAD no frequency). This variant has not been reported in the literature in individuals affected with MYH2-related conditions. For these reasons, this variant has been classified as Pathogenic.

Literature cited by the submitters: PubMed 20418530; PubMed 23388406; PubMed 24193343.

NM_017534.6(MYH2):c.4302_4303insG (p.Met1435fs)

Genes: MYH2 (myosin heavy chain 2; minus strand), MYHAS (myosin heavy chain gene cluster antisense RNA; plus strand). Cytogenetic location: 17p13.1.
Variant type: Insertion.
Coding change: c.4302_4303insG on transcript NM_017534.6 (MANE Select); coding-DNA positions 4302 to 4303, G inserted.
Protein change: p.Met1435fs; shifts the reading frame from methionine 1435.
Molecular consequence: frameshift variant.
Genome position: GRCh38 VCF-style: chr17-10525761-T-TC. GRCh37 (hg19) VCF-style: chr17-10429078-T-TC.
Other names: c.4302_4303insG, p.Met1435fs (NM_001100112.2); short protein forms M1435fs.
Identifiers: ClinVar variation 3015951 (VCV003015951.3), dbSNP rs2508417397, ClinGen allele CA2636119187.
Genomic context (GRCh38, chr17:10,525,761, plus strand): 5'-AGTTCCTTTGCTTTTTGTCAAGGGCGGCACAGGCGGCATTTGTCCTCTCCACATCAAGCA[T>TC]GAGGTCCTCGACCTCATTCTGCAGCCGCTGCTTCGTCTTTTCGAGGGAAGCACATTTGGC-3'